The following is an entry in ClinVar:

ClinVar aggregate classification (germline): Uncertain significance (1 of 4 stars; one submission).

gnomAD v4.1: 2 of 1,614,160 alleles (0.00012%); highest among the groups gnomAD compares: Admixed American, 0.0017%; no homozygotes.

Submission:

Labcorp Genetics (formerly Invitae), Labcorp
Classification: Uncertain significance. Last evaluated: 2022-04-12. Review status: criteria provided, single submitter. Criteria: Invitae Variant Classification Sherloc (09022015). Collection method: clinical testing. Allele origin: germline.
Comment: In summary, the available evidence is currently insufficient to determine the role of this variant in disease. Therefore, it has been classified as a Variant of Uncertain Significance. Algorithms developed to predict the effect of sequence changes on RNA splicing suggest that this variant may disrupt the consensus splice site. This variant has not been reported in the literature in individuals affected with MYLK3-related conditions. This variant is present in population databases (no rsID available, gnomAD 0.003%). This sequence change affects codon 654 of the MYLK3 mRNA. It is a 'silent' change, meaning that it does not change the encoded amino acid sequence of the MYLK3 protein.

NM_182493.3(MYLK3):c.1962C>T (p.Ile654=)

Gene: MYLK3 (myosin light chain kinase 3; minus strand). Cytogenetic location: 16q11.2.
Variant type: single nucleotide variant.
Coding change: c.1962C>T on transcript NM_182493.3 (MANE Select); coding-DNA position 1962, C replaced by T.
Protein change: p.Ile654=; no amino-acid change (isoleucine 654 retained).
Molecular consequence: synonymous variant.
Genome position (GRCh38, 1-based): chr16:46,721,146, G>A on the plus strand (C>T on the coding strand, the complement: MYLK3 is on the minus strand). VCF-style: chr16-46721146-G-A. GRCh37 (hg19) VCF-style: chr16-46755058-G-A.
Other names: c.939C>T, p.Ile313= (NM_001308301.1).
Identifiers: ClinVar variation 1957431 (VCV001957431.5), dbSNP rs1174426871, ClinGen allele CA494961772.
Genomic context (GRCh38, chr16:46,721,146, plus strand): 5'-GGAATTTTGTTAAGGTATCTAAATAAAACCCCCTTACCTTCTGGCCAGCCCAAAGTCAAT[G>A]ATCTTAATTTGATGTCCTGTCTGATTGACGCACAATATGTTCTCCGGCTGGGAAAGAAAG-3'
Protein context (NP_872299.2, residues 644-664): CVNQTGHQIK[Ile654=]IDFGLARRYK